The following is an entry in ClinVar:

NM_001267550.2(TTN):c.107248A>G (p.Ile35750Val)

Genes: TTN-AS1 (TTN antisense RNA 1; plus strand), TTN (titin; minus strand). Cytogenetic location: 2q31.2.
Variant type: single nucleotide variant.
Coding change: c.107248A>G on transcript NM_001267550.2 (MANE Select); coding-DNA position 107248, A replaced by G.
Protein change: p.Ile35750Val; replaces isoleucine 35750 with valine.
Molecular consequence: missense variant.
Genome position (GRCh38, 1-based): chr2:178,528,403, T>C on the plus strand (A>G on the coding strand, the complement: TTN is on the minus strand). VCF-style: chr2-178528403-T-C. GRCh37 (hg19) VCF-style: chr2-179393130-T-C.
Other names: c.102325A>G, p.Ile34109Val (NM_001256850.1); c.80053A>G, p.Ile26685Val (NM_003319.4); c.99544A>G, p.Ile33182Val (NM_133378.4); c.80428A>G, p.Ile26810Val (NM_133432.3); c.80629A>G, p.Ile26877Val (NM_133437.4); short protein forms I26685V, I33182V, I35750V, I26877V, I26810V, I34109V.
Identifiers: ClinVar variation 2059865 (VCV002059865.4), dbSNP rs2154130949, ClinGen allele CA349401490.
Genomic context (GRCh38, chr2:178,528,403, plus strand): 5'-CACTGTCGCTGACTGATGCATTTCGGATTTCAAGGGAGTATACATTTCTGGAGCGGCTTA[T>C]GCTGACATTTGAAGAAATAGAAATCTAAGACAAAGGAAAAAGAAAAGAAATGTTGAAGTT-3'
Protein context (NP_001254479.2, residues 35740-35760): LPISISSNVS[Ile35750Val]SRSRNVYSLE

ClinVar aggregate classification (germline): Uncertain significance (1 of 4 stars; one submission).

Conditions:
Dilated cardiomyopathy 1G (CMD1G). Identifiers: Orphanet 154, MedGen C1858763, MONDO:0011400, OMIM 604145.
Autosomal recessive limb-girdle muscular dystrophy type 2J (LGMDR10). Also called: Limb-girdle muscular dystrophy, type 2J; MUSCULAR DYSTROPHY, LIMB-GIRDLE, AUTOSOMAL RECESSIVE 10. Identifiers: Orphanet 140922, MedGen C1837342, MONDO:0012127, OMIM 608807.

Submission:

Labcorp Genetics (formerly Invitae), Labcorp
Classification: Uncertain significance for Dilated cardiomyopathy 1G; Autosomal recessive limb-girdle muscular dystrophy type 2J. Last evaluated: 2022-01-19. Review status: criteria provided, single submitter. Criteria: Invitae Variant Classification Sherloc (09022015). Collection method: clinical testing. Allele origin: germline.
Comment: This sequence change replaces isoleucine, which is neutral and non-polar, with valine, which is neutral and non-polar, at codon 35750 of the TTN protein (p.Ile35750Val). This variant is not present in population databases (gnomAD no frequency). This variant has not been reported in the literature in individuals affected with TTN-related conditions. Algorithms developed to predict the effect of missense changes on protein structure and function output the following: SIFT: "Not Available"; PolyPhen-2: "Not Available"; Align-GVGD: "Not Available". The valine amino acid residue is found in multiple mammalian species, which suggests that this missense change does not adversely affect protein function. Algorithms developed to predict the effect of sequence changes on RNA splicing suggest that this variant may create or strengthen a splice site. This variant is located in the M band of TTN (PMID: 25589632). Variants in this region may be relevant for neuromuscular disorders, but have not been definitively shown to cause cardiomyopathy (PMID: 23975875). In summary, the available evidence is currently insufficient to determine the role of this variant in disease. Therefore, it has been classified as a Variant of Uncertain Significance.

Literature cited by the submitters: PubMed 25589632; PubMed 23975875.